The following is an entry in ClinVar:

NM_015509.4(NECAP1):c.734T>C (p.Val245Ala)

Gene: NECAP1 (NECAP endocytosis associated 1; plus strand). Cytogenetic location: 12p13.31.
Variant type: single nucleotide variant.
Coding change: c.734T>C on transcript NM_015509.4 (MANE Select); coding-DNA position 734, T replaced by C.
Protein change: p.Val245Ala; replaces valine 245 with alanine.
Molecular consequence: missense variant. On other transcripts: non-coding transcript variant (1).
Genome position (GRCh38, 1-based): chr12:8,095,658, T>C. VCF-style: chr12-8095658-T-C. GRCh37 (hg19) VCF-style: chr12-8248254-T-C.
Other names: short protein forms V245A.
Identifiers: ClinVar variation 1059438 (VCV001059438.9), dbSNP rs2120495324, ClinGen allele CA383802519.

ClinVar aggregate classification (germline): Uncertain significance (1 of 4 stars; one submission).

Conditions:
Developmental and epileptic encephalopathy, 21 (DEE21). Also called: Early infantile epileptic encephalopathy 21. Identifiers: Orphanet 442835, MedGen C4014430, MONDO:0014360, OMIM 615833.

Allele frequency attached by ClinVar (database versions not stated): gnomAD exomes below 0.00001.
gnomAD v4.1: 5 of 1,614,070 alleles (0.00031%); highest among the groups gnomAD compares: Non-Finnish European, 0.00025%; no homozygotes.

Submission:

Labcorp Genetics (formerly Invitae), Labcorp
Classification: Uncertain significance for Developmental and epileptic encephalopathy, 21. Last evaluated: 2022-06-24. Review status: criteria provided, single submitter. Criteria: Invitae Variant Classification Sherloc (09022015). Collection method: clinical testing. Allele origin: germline.
Comment: This sequence change replaces valine, which is neutral and non-polar, with alanine, which is neutral and non-polar, at codon 245 of the NECAP1 protein (p.Val245Ala). This variant is not present in population databases (gnomAD no frequency). This variant has not been reported in the literature in individuals affected with NECAP1-related conditions. ClinVar contains an entry for this variant (Variation ID: 1059438). Algorithms developed to predict the effect of missense changes on protein structure and function output the following: SIFT: "Tolerated"; PolyPhen-2: "Benign"; Align-GVGD: "Class C0". The alanine amino acid residue is found in multiple mammalian species, which suggests that this missense change does not adversely affect protein function. In summary, the available evidence is currently insufficient to determine the role of this variant in disease. Therefore, it has been classified as a Variant of Uncertain Significance.